The following is an entry in ClinVar:

NM_000053.4(ATP7B):c.383G>A (p.Gly128Glu)

Gene: ATP7B (ATPase copper transporting beta; minus strand). Cytogenetic location: 13q14.3.
Variant type: single nucleotide variant.
Coding change: c.383G>A on transcript NM_000053.4 (MANE Select); coding-DNA position 383, G replaced by A.
Protein change: p.Gly128Glu; replaces glycine 128 with glutamic acid.
Molecular consequence: missense variant.
Genome position (GRCh38, 1-based): chr13:51,974,837, C>T on the plus strand (G>A on the coding strand, the complement: ATP7B is on the minus strand). VCF-style: chr13-51974837-C-T. GRCh37 (hg19) VCF-style: chr13-52548973-C-T.
Other names: c.383G>A, p.Gly128Glu (NM_001005918.3, NM_001243182.2, NM_001406523.1 and 30 more transcripts); c.287G>A, p.Gly96Glu (NM_001406517.1, NM_001406518.1, NM_001406543.1 and 4 more transcripts); short protein forms G128E, G96E.
Identifiers: ClinVar variation 2013228 (VCV002013228.4), dbSNP rs2547823316, ClinGen allele CA388044129.

ClinVar aggregate classification (germline): Uncertain significance (1 of 4 stars; one submission).

Conditions:
Wilson disease (WND). Also called: Wilson's disease. Identifiers: Orphanet 905, MedGen C0019202, MONDO:0010200, OMIM 277900. Disease mechanism: loss of function.

Submission:

Labcorp Genetics (formerly Invitae), Labcorp
Classification: Uncertain significance for Wilson disease. Last evaluated: 2022-07-02. Review status: criteria provided, single submitter. Criteria: Invitae Variant Classification Sherloc (09022015). Collection method: clinical testing. Allele origin: germline.
Comment: This sequence change replaces glycine, which is neutral and non-polar, with glutamic acid, which is acidic and polar, at codon 128 of the ATP7B protein (p.Gly128Glu). In summary, the available evidence is currently insufficient to determine the role of this variant in disease. Therefore, it has been classified as a Variant of Uncertain Significance. Advanced modeling of protein sequence and biophysical properties (such as structural, functional, and spatial information, amino acid conservation, physicochemical variation, residue mobility, and thermodynamic stability) performed at Invitae indicates that this missense variant is not expected to disrupt ATP7B protein function. This variant has not been reported in the literature in individuals affected with ATP7B-related conditions. This variant is not present in population databases (gnomAD no frequency).